The following is an entry in ClinVar:

ClinVar aggregate classification (germline): Uncertain significance (0 of 4 stars; one submission).

Submission:

Department of Pathology and Laboratory Medicine, Sinai Health System
Classification: Uncertain significance. Review status: no assertion criteria provided. Collection method: clinical testing. Allele origin: unknown. Affected: yes. Study: The Canadian Open Genetics Repository (COGR).
Comment: The AIRE p.Gly382Arg variant was not identified in the literature nor was it identified in dbSNP, ClinVar or in the following control databases: the 1000 Genomes Project, the NHLBI GO Exome Sequencing Project, the Exome Aggregation Consortium (August 8th 2016), or the Genome Aggregation Database (March 6, 2019, v2.1.1). The p.Gly382 residue is not conserved in mammals and four out of five computational analyses (PolyPhen-2, SIFT, AlignGVGD, BLOSUM, MutationTaster) do not suggest a high likelihood of impact to the protein; however, this information is not predictive enough to rule out pathogenicity. The variant occurs outside of the splicing consensus sequence and in silico or computational prediction software programs (SpliceSiteFinder, MaxEntScan, NNSPLICE, GeneSplicer) do not predict a difference in splicing. In summary, based on the above information the clinical significance of this variant cannot be determined with certainty at this time. This variant is classified as a variant of uncertain significance.

NM_000383.4(AIRE):c.1144G>A (p.Gly382Arg)

Gene: AIRE (autoimmune regulator; plus strand). Cytogenetic location: 21q22.3.
Variant type: single nucleotide variant.
Coding change: c.1144G>A on transcript NM_000383.4 (MANE Select); coding-DNA position 1144, G replaced by A.
Protein change: p.Gly382Arg; replaces glycine 382 with arginine.
Molecular consequence: missense variant.
Genome position (GRCh38, 1-based): chr21:44,293,041, G>A. VCF-style: chr21-44293041-G-A. GRCh37 (hg19) VCF-style: chr21-45712924-G-A.
Other names: short protein forms G382R.
Identifiers: ClinVar variation 1049588 (VCV001049588.1), dbSNP rs2146383336, ClinGen allele CA410425342.